The following is an entry in ClinVar:

ClinVar aggregate classification (germline): Uncertain significance. Review status: criteria provided, single submitter (1 of 4 stars). 2 submissions from 2 submitters: Uncertain significance (1). 1 of the submissions does not count toward it. Last evaluated 2024-10-23.

Conditions:
Neuromuscular disease caused by qualitative or quantitative defects of dysferlin. Also called: Dysferlinopathy; Qualitative or quantitative defects of dysferlin. Identifiers: Orphanet 207073, MedGen C2931687, MONDO:0016145.
Autosomal recessive limb-girdle muscular dystrophy type 2B (LGMDR2). Also called: Limb-Girdle Muscular Dystrophy Type 2B (LGMD2B); MUSCULAR DYSTROPHY, LIMB-GIRDLE, TYPE 3; Limb-girdle muscular dystrophy, type 2B; MUSCULAR DYSTROPHY, LIMB-GIRDLE, AUTOSOMAL RECESSIVE 2. Identifiers: Orphanet 268, MedGen C1850889, MONDO:0009676, OMIM 253601.

Submissions (2):

Labcorp Genetics (formerly Invitae), Labcorp
Classification: Uncertain significance for Neuromuscular disease caused by qualitative or quantitative defects of dysferlin. Last evaluated: 2024-10-23. Review status: criteria provided, single submitter. Criteria: Invitae Variant Classification Sherloc (09022015). Collection method: clinical testing. Allele origin: germline.
Comment: This sequence change replaces aspartic acid, which is acidic and polar, with asparagine, which is neutral and polar, at codon 53 of the DYSF protein (p.Asp53Asn). This variant is not present in population databases (gnomAD no frequency). This variant has not been reported in the literature in individuals affected with DYSF-related conditions. Invitae Evidence Modeling of protein sequence and biophysical properties (such as structural, functional, and spatial information, amino acid conservation, physicochemical variation, residue mobility, and thermodynamic stability) indicates that this missense variant is not expected to disrupt DYSF protein function with a negative predictive value of 95%. In summary, the available evidence is currently insufficient to determine the role of this variant in disease. Therefore, it has been classified as a Variant of Uncertain Significance.

Natera, Inc.
Classification: Uncertain significance for Limb-girdle muscular dystrophy type 2B. Last evaluated: 2025-04-18. Review status: no assertion criteria provided. Collection method: clinical testing. Allele origin: germline. Not counted in ClinVar's aggregate classification.

NM_001130987.2(DYSF):c.160G>A (p.Asp54Asn)

Gene: DYSF (dysferlin; plus strand). Cytogenetic location: 2p13.2.
Variant type: single nucleotide variant.
Coding change: c.160G>A on transcript NM_001130987.2 (MANE Select); coding-DNA position 160, G replaced by A.
Protein change: p.Asp54Asn; replaces aspartic acid 54 with asparagine.
Molecular consequence: missense variant.
Genome position (GRCh38, 1-based): chr2:71,481,891, G>A. VCF-style: chr2-71481891-G-A. GRCh37 (hg19) VCF-style: chr2-71709021-G-A.
Other names: c.157G>A (NM_003494.3); c.160G>A, p.Asp54Asn (NM_001130455.2, NM_001130982.2, NM_001130983.2 and 3 more transcripts); c.157G>A, p.Asp53Asn (NM_001130976.2, NM_001130977.2, NM_001130978.2 and 4 more transcripts); short protein forms D54N, D53N.
Identifiers: ClinVar variation 3692706 (VCV003692706.3).